The following is an entry in ClinVar:

NM_001330574.2(ZNF711):c.2299C>T (p.Arg767Ter)

Gene: ZNF711 (ZFX family zinc finger ZNF711; plus strand). Cytogenetic location: Xq21.1.
Variant type: single nucleotide variant.
Coding change: c.2299C>T on transcript NM_001330574.2 (MANE Select); coding-DNA position 2299, C replaced by T.
Protein change: p.Arg767Ter; replaces arginine 767 with a stop codon.
Molecular consequence: nonsense.
Genome position (GRCh38, 1-based): chrX:85,271,703, C>T. VCF-style: chrX-85271703-C-T. GRCh37 (hg19) VCF-style: chrX-84526709-C-T.
Other names: c.2299C>T, p.Arg767Ter (NM_001375431.1, NM_001375432.1, NM_001375433.1); c.2161C>T, p.Arg721Ter (NM_001375434.1, NM_001375435.1, NM_001375436.1 and 2 more transcripts); short protein forms R721*, R767*.
Identifiers: ClinVar variation 2430809 (VCV002430809.3), dbSNP rs2520435923, ClinGen allele CA413778024.

ClinVar aggregate classification (germline): Likely pathogenic. Review status: criteria provided, single submitter (1 of 4 stars). 2 submissions from 2 submitters: Likely pathogenic (1). 1 of the submissions does not count toward it. Last evaluated 2024-04-09.

Conditions:
Intellectual developmental disorder, X-linked 97. Also called: Intellectual disability, X-linked 97. Identifiers: Orphanet 777, MedGen C2749020, MONDO:0010430, OMIM 300803.

Submissions (2):

GeneDx
Classification: Likely pathogenic. Last evaluated: 2024-04-09. Review status: criteria provided, single submitter. Criteria: GeneDx Variant Classification Process June 2021. Collection method: clinical testing. Allele origin: germline.
Comment: Nonsense variant in the C-terminus predicted to result in protein truncation, as the last 41 amino acids are lost, and other loss-of-function variants have been reported downstream in the published literature (PMID: 34992252); Not observed at significant frequency in large population cohorts (gnomAD); This variant is associated with the following publications: (PMID: 34992252)

Clinical Genetics Laboratory, University Hospital Schleswig-Holstein
Classification: Likely pathogenic for Intellectual developmental disorder, X-linked 97. Last evaluated: 2023-12-19. Review status: no assertion criteria provided. Collection method: clinical testing. Allele origin: germline. Affected: yes. Not counted in ClinVar's aggregate classification.